The following is an entry in ClinVar:

NM_001077350.3(NPRL3):c.1610G>A (p.Arg537His)

Gene: NPRL3 (NPR3 like, GATOR1 complex subunit; minus strand). Cytogenetic location: 16p13.3.
Variant type: single nucleotide variant.
Coding change: c.1610G>A on transcript NM_001077350.3 (MANE Select); coding-DNA position 1610, G replaced by A.
Protein change: p.Arg537His; replaces arginine 537 with histidine.
Molecular consequence: missense variant.
Genome position (GRCh38, 1-based): chr16:86,805, C>T on the plus strand (G>A on the coding strand, the complement: NPRL3 is on the minus strand). VCF-style: chr16-86805-C-T. GRCh37 (hg19) VCF-style: chr16-136804-C-T.
Other names: c.1073G>A, p.Arg358His (NM_001039476.3); c.1376G>A, p.Arg459His (NM_001243247.2); c.1535G>A, p.Arg512His (NM_001243248.2, NM_001243249.2); short protein forms R358H, R459H, R512H, R537H.
Identifiers: ClinVar variation 1063971 (VCV001063971.9), dbSNP rs771288626, ClinGen allele CA7769258.

ClinVar aggregate classification (germline): Uncertain significance (1 of 4 stars; one submission).

Conditions:
Epilepsy, familial focal, with variable foci 3 (FFEVF3). Identifiers: MedGen C4310708, MONDO:0014925, OMIM 617118.

Allele frequency attached by ClinVar (database versions not stated): gnomAD exomes below 0.00001; ExAC 0.00002.
gnomAD v4.1: 6 of 1,612,202 alleles (0.00037%); highest among the groups gnomAD compares: Non-Finnish European, 0.00051%; no homozygotes.

Submission:

Labcorp Genetics (formerly Invitae), Labcorp
Classification: Uncertain significance for Epilepsy, familial focal, with variable foci 3. Last evaluated: 2024-10-30. Review status: criteria provided, single submitter. Criteria: Invitae Variant Classification Sherloc (09022015). Collection method: clinical testing. Allele origin: germline.
Comment: This sequence change replaces arginine, which is basic and polar, with histidine, which is basic and polar, at codon 537 of the NPRL3 protein (p.Arg537His). This variant is present in population databases (rs771288626, gnomAD 0.01%). This variant has not been reported in the literature in individuals affected with NPRL3-related conditions. ClinVar contains an entry for this variant (Variation ID: 1063971). Invitae Evidence Modeling of protein sequence and biophysical properties (such as structural, functional, and spatial information, amino acid conservation, physicochemical variation, residue mobility, and thermodynamic stability) indicates that this missense variant is expected to disrupt NPRL3 protein function with a positive predictive value of 80%. In summary, the available evidence is currently insufficient to determine the role of this variant in disease. Therefore, it has been classified as a Variant of Uncertain Significance.